The following is an entry in ClinVar:

NM_000070.3(CAPN3):c.2327A>G (p.Asn776Ser)

Gene: CAPN3 (calpain 3; plus strand). Cytogenetic location: 15q15.1.
Variant type: single nucleotide variant.
Coding change: c.2327A>G on transcript NM_000070.3 (MANE Select); coding-DNA position 2327, A replaced by G.
Protein change: p.Asn776Ser; replaces asparagine 776 with serine.
Molecular consequence: missense variant.
Genome position (GRCh38, 1-based): chr15:42,410,947, A>G. VCF-style: chr15-42410947-A-G. GRCh37 (hg19) VCF-style: chr15-42703145-A-G.
Other names: c.2309A>G, p.Asn770Ser (NM_024344.2); c.2051A>G, p.Asn684Ser (NM_173087.2); c.791A>G, p.Asn264Ser (NM_173088.2); c.332A>G, p.Asn111Ser (NM_173089.2, NM_173090.2); short protein forms N776S, N264S, N770S, N684S, N111S.
Identifiers: ClinVar variation 426275 (VCV000426275.3), dbSNP rs1085307534, ClinGen allele CA392002091.

ClinVar aggregate classification (germline): Likely pathogenic. Review status: criteria provided, multiple submitters, no conflicts (2 of 4 stars). 2 submissions from 2 submitters: Likely pathogenic (2). Last evaluated 2024-02-01.

Conditions:
Autosomal recessive limb-girdle muscular dystrophy type 2A (LGMDR1). Also called: Limb-girdle muscular dystrophy, type 2A; Calpainopathy; LEYDEN-MOEBIUS MUSCULAR DYSTROPHY; MUSCULAR DYSTROPHY, PELVOFEMORAL; Muscular dystrophy, limb-girdle, type 2A, Amish. Identifiers: Orphanet 267, MedGen C1869123, MONDO:0009675, OMIM 253600. Disease mechanism: loss of function.

Submissions (2):

Laboratory of Medical Genetics, National & Kapodistrian University of Athens
Classification: Likely pathogenic for Autosomal recessive limb-girdle muscular dystrophy type 2A. Last evaluated: 2024-02-01. Review status: criteria provided, single submitter. Criteria: ACMG Guidelines, 2015. Collection method: curation. Allele origin: germline. Affected: no.

GeneDx
Classification: Likely pathogenic. Last evaluated: 2017-04-21. Review status: criteria provided, single submitter. Criteria: GeneDx Variant Classification (06012015). Collection method: clinical testing. Allele origin: germline. Affected: yes.
Comment: A likely pathogenic variant has also been identified in the CAPN3 gene. The N776S variant has not been published as a pathogenic variant, nor has it been reported as a benign variant to our knowledge. The N776S variant is not observed in large population cohorts (Lek et al., 2016; 1000 Genomes Consortium et al., 2015; Exome Variant Server). The N776S variant is a conservative amino acid substitution, which is not likely to impact secondary protein structure as these residues share similar properties. This substitution occurs at a position that is conserved across species, and in silico analysis predicts this variant is probably damaging to the protein structure/function. Additionally, missense variants in nearby residues (I777T, F779I, D780H) have been reported in the Human Gene Mutation Database in association with CAPN3-related disorders (Stenson et al., 2014), supporting the functional importance of this region of the protein. Therefore, this variant is likely pathogenic; however, the possibility that it is benign cannot be excluded.